The following is an entry in ClinVar:

NM_000883.4(IMPDH1):c.137A>C (p.Glu46Ala)

Genes: IMPDH1 (inosine monophosphate dehydrogenase 1; minus strand), LOC129999258 (ATAC-STARR-seq lymphoblastoid silent region 18606; plus strand). Cytogenetic location: 7q32.1.
Variant type: single nucleotide variant.
Coding change: c.137A>C on transcript NM_000883.4 (MANE Select); coding-DNA position 137, A replaced by C.
Protein change: p.Glu46Ala; replaces glutamic acid 46 with alanine.
Molecular consequence: missense variant.
Genome position (GRCh38, 1-based): chr7:128,409,765, T>G on the plus strand (A>C on the coding strand, the complement: IMPDH1 is on the minus strand). VCF-style: chr7-128409765-T-G. GRCh37 (hg19) VCF-style: chr7-128049819-T-G.
Other names: c.137A>C, p.Glu46Ala (NM_001102605.2, NM_001142576.2, NM_001304521.2 and 1 more transcripts); short protein forms E46A.
Identifiers: ClinVar variation 1904282 (VCV001904282.6), dbSNP rs959585363, ClinGen allele CA166137942.

ClinVar aggregate classification (germline): Uncertain significance. Review status: criteria provided, multiple submitters, no conflicts (2 of 4 stars). 2 submissions from 2 submitters: Uncertain significance (2). Last evaluated 2024-10-08.

Allele frequency attached by ClinVar (database versions not stated): gnomAD exomes 0.00002; TOPMed 0.00002; gnomAD 0.00003.
gnomAD v4.1: 29 of 1,522,472 alleles (0.0019%); highest among the groups gnomAD compares: African/African-American, 0.0042%; no homozygotes.

Submissions (2):

Labcorp Genetics (formerly Invitae), Labcorp
Classification: Uncertain significance. Last evaluated: 2024-10-08. Review status: criteria provided, single submitter. Criteria: Invitae Variant Classification Sherloc (09022015). Collection method: clinical testing. Allele origin: germline.
Comment: This sequence change replaces glutamic acid, which is acidic and polar, with alanine, which is neutral and non-polar, at codon 46 of the IMPDH1 protein (p.Glu46Ala). This variant is present in population databases (no rsID available, gnomAD 0.002%). This variant has not been reported in the literature in individuals affected with IMPDH1-related conditions. ClinVar contains an entry for this variant (Variation ID: 1904282). An algorithm developed to predict the effect of missense changes on protein structure and function (PolyPhen-2) suggests that this variant is likely to be tolerated. In summary, the available evidence is currently insufficient to determine the role of this variant in disease. Therefore, it has been classified as a Variant of Uncertain Significance.

Blueprint Genetics
Classification: Uncertain significance. Last evaluated: 2020-06-12. Review status: criteria provided, single submitter. Criteria: ACMG Guidelines, 2015. Collection method: clinical testing. Allele origin: germline.